The following is an entry in ClinVar:

ClinVar aggregate classification (germline): Uncertain significance. Review status: criteria provided, multiple submitters, no conflicts (2 of 4 stars). 2 submissions from 2 submitters: Uncertain significance (2). Last evaluated 2025-05-15.

Conditions:
Inborn genetic diseases. Identifiers: MedGen C0950123, MeSH D030342.
MOGS-congenital disorder of glycosylation. Also called: CDG IIb; CDG 2B; GLUCOSIDASE I DEFICIENCY; MOGS-CDG. Identifiers: Orphanet 79330, MedGen C1853736, MONDO:0011629, OMIM 606056.

Allele frequency attached by ClinVar (database versions not stated): ExAC 0.00001; gnomAD 0.00001; gnomAD exomes 0.00001; TOPMed 0.00002.

Submissions (2):

Ambry Genetics
Classification: Uncertain significance for Inborn genetic diseases. Last evaluated: 2025-05-15. Review status: criteria provided, single submitter. Criteria: Ambry Variant Classification Scheme 2023. Collection method: clinical testing. Allele origin: germline.

Labcorp Genetics (formerly Invitae), Labcorp
Classification: Uncertain significance for MOGS-congenital disorder of glycosylation. Last evaluated: 2023-05-22. Review status: criteria provided, single submitter. Criteria: Invitae Variant Classification Sherloc (09022015). Collection method: clinical testing. Allele origin: germline.
Comment: In summary, the available evidence is currently insufficient to determine the role of this variant in disease. Therefore, it has been classified as a Variant of Uncertain Significance. Advanced modeling of protein sequence and biophysical properties (such as structural, functional, and spatial information, amino acid conservation, physicochemical variation, residue mobility, and thermodynamic stability) performed at Invitae indicates that this missense variant is not expected to disrupt MOGS protein function. ClinVar contains an entry for this variant (Variation ID: 1905829). This variant has not been reported in the literature in individuals affected with MOGS-related conditions. This variant is present in population databases (rs771656564, gnomAD 0.0009%). This sequence change replaces serine, which is neutral and polar, with isoleucine, which is neutral and non-polar, at codon 231 of the MOGS protein (p.Ser231Ile).

NM_006302.3(MOGS):c.692G>T (p.Ser231Ile)

Gene: MOGS (mannosyl-oligosaccharide glucosidase; minus strand). Cytogenetic location: 2p13.1.
Variant type: single nucleotide variant.
Coding change: c.692G>T on transcript NM_006302.3 (MANE Select); coding-DNA position 692, G replaced by T.
Protein change: p.Ser231Ile; replaces serine 231 with isoleucine.
Molecular consequence: missense variant.
Genome position (GRCh38, 1-based): chr2:74,463,274, C>A on the plus strand (G>T on the coding strand, the complement: MOGS is on the minus strand). VCF-style: chr2-74463274-C-A. GRCh37 (hg19) VCF-style: chr2-74690401-C-A.
Other names: c.374G>T, p.Ser125Ile (NM_001146158.2); c.692G>T (NM_006302.2); short protein forms S125I, S231I.
Identifiers: ClinVar variation 1905829 (VCV001905829.4), dbSNP rs771656564, ClinGen allele CA1724957.
Genomic context (GRCh38, chr2:74,463,274, plus strand): 5'-CCTGGACTGGTTGGTGGCAAAAGTGTAAAGCGGAAGTCACCAAGTTCACTGGTGTGCCCA[C>A]TGATAAACTTCAACTGCCCCTTGGCCCCAACCTCTGGTAGTAGGACTTCCTTGCCATCTG-3'
Protein context (NP_006293.2, residues 221-241): VGAKGQLKFI[Ser231Ile]GHTSELGDFR